The following is an entry in ClinVar:

ClinVar aggregate classification (germline): Pathogenic/Likely pathogenic. Review status: criteria provided, multiple submitters, no conflicts (2 of 4 stars). 3 submissions from 3 submitters: Pathogenic (2); Likely pathogenic (1). Last evaluated 2026-02-18.

Conditions:
Hereditary cancer-predisposing syndrome. Also called: Tumor predisposition; Hereditary Cancer Syndrome; Hereditary neoplastic syndrome; Neoplastic Syndromes, Hereditary. Identifiers: Orphanet 140162, MedGen C0027672, MeSH D009386, MONDO:0015356.
Familial cancer of breast. Also called: BREAST CANCER, FAMILIAL; hereditary breast carcinoma; Hereditary breast cancer. Identifiers: Orphanet 227535, MedGen C0346153, MONDO:0016419, OMIM 114480. Disease mechanism: loss of function.

Submissions (3):

Myriad Genetics, Inc.
Classification: Pathogenic for Familial cancer of breast. Last evaluated: 2026-02-18. Review status: criteria provided, single submitter. Criteria: Myriad Autosomal Dominant, Autosomal Recessive and X-Linked Classification Criteria (2023). Collection method: clinical testing. Allele origin: unknown.
Comment: This variant is considered pathogenic. This variant creates a frameshift predicted to result in premature protein truncation.

Baylor Genetics
Classification: Likely pathogenic for Familial cancer of breast. Last evaluated: 2023-03-28. Review status: criteria provided, single submitter. Criteria: ACMG Guidelines, 2015. Collection method: clinical testing. Allele origin: unknown.

Ambry Genetics
Classification: Pathogenic for Hereditary cancer-predisposing syndrome. Last evaluated: 2014-02-14. Review status: criteria provided, single submitter. Criteria: Ambry Autosomal Dominant and X-Linked criteria (10/2015). Collection method: clinical testing. Allele origin: germline. Observed: 1 variant allele.
Comment: The c.26delTinsCG pathogenic mutation, located in coding exon 1 of the PALB2 gene, results from the deletion of one nucleotide and insertion of two nucleotides causing a translational frameshift with a predicted alternate stop codon. Since frameshifts are typically deleterious in nature, this alteration is interpreted as a disease-causing mutation (ACMG Recommendations for Standards for Interpretation and Reporting of Sequence Variations. Revision 2007. Genet Med. 2008;10:294).

NM_024675.4(PALB2):c.26delinsCG (p.Leu9fs)

Gene: PALB2 (partner and localizer of BRCA2; minus strand). Cytogenetic location: 16p12.2.
Variant type: Indel.
Coding change: c.26delinsCG on transcript NM_024675.4 (MANE Select); coding-DNA position 26, T replaced by CG.
Protein change: p.Leu9fs; shifts the reading frame from leucine 9.
Molecular consequence: frameshift variant.
Genome position (GRCh38, 1-based): chr16:23,641,132, A replaced by CG on the plus strand (T replaced by CG on the coding strand, the reverse complement: PALB2 is on the minus strand). VCF-style: chr16-23641132-A-CG. GRCh37 (hg19) VCF-style: chr16-23652453-A-CG.
Other names: c.26delTinsCG (NM_024675.3); short protein forms L9fs.
Identifiers: ClinVar variation 141330 (VCV000141330.5), dbSNP rs587781662, ClinGen allele CA165127.
Genomic context (GRCh38, chr16:23,641,132, plus strand): 5'-TCAGAGTCCTGCGTCCGCCCTTCCCGCACCCCCGGCACCTTTTCCTTCTCCTCACAGCTG[A>CG]GGGGCTTCCCGGGAGGCTCGTCCATCGGGCAGGCGACAGAACGAAAAGAGCAGCCGTCGC-3'